The following is an entry in ClinVar:

NM_025074.7(FRAS1):c.3010+1G>A

Gene: FRAS1 (Fraser extracellular matrix complex subunit 1; plus strand). Cytogenetic location: 4q21.21.
Variant type: single nucleotide variant.
Coding change: c.3010+1G>A on transcript NM_025074.7 (MANE Select); the canonical splice donor site of the intron after coding-DNA position 3010, G replaced by A.
Molecular consequence: splice donor variant.
Genome position (GRCh38, 1-based): chr4:78,372,859, G>A. VCF-style: chr4-78372859-G-A. GRCh37 (hg19) VCF-style: chr4-79294013-G-A.
Other names: c.3010+1G>A (NM_001166133.2).
Identifiers: ClinVar variation 265541 (VCV000265541.13), dbSNP rs574631014, ClinGen allele CA2976788.
Genomic context (GRCh38, chr4:78,372,859, plus strand): 5'-ATGGGGCCTGCGTGGAGCAGTGCTTGTCATCATTTTACCAGGACTCGGGCCTCTGCAAGA[G>A]TAAGTGTGTAGAGGCCCTGCTCTGTGCTCAGCCATACCTTGGCCACCTCTGATTTGTACT-3'

ClinVar aggregate classification (germline): Conflicting classifications of pathogenicity. Review status: criteria provided, conflicting classifications (1 of 4 stars). 4 submissions from 4 submitters: Likely pathogenic (3); Uncertain significance (1). Last evaluated 2026-01-11.

Conditions:
Fraser syndrome 1 (FRASRS1). Also called: CRYPTOPHTHALMOS WITH OTHER MALFORMATIONS. Identifiers: Orphanet 2052, MedGen C4551480, MONDO:0054737, OMIM 219000.
FRAS1-related disorder. Also called: FRAS1-related condition.

Allele frequency attached by ClinVar (database versions not stated): gnomAD 0.00002 and 0.00003; gnomAD exomes 0.00004 and 0.00010; TOPMed 0.00005; ExAC 0.00008; 1000 Genomes Project 0.00020; 1000 Genomes Project 30x 0.00031.
gnomAD v4.1: 66 of 1,612,178 alleles (0.0041%); highest among the groups gnomAD compares: Middle Eastern, 0.041%; no homozygotes.

Submissions (4):

Labcorp Genetics (formerly Invitae), Labcorp
Classification: Likely pathogenic. Last evaluated: 2026-01-11. Review status: criteria provided, single submitter. Criteria: Invitae Variant Classification Sherloc (09022015). Collection method: clinical testing. Allele origin: germline.
Comment: This sequence change affects a donor splice site in intron 24 of the FRAS1 gene. It is expected to disrupt RNA splicing. Variants that disrupt the donor or acceptor splice site typically lead to a loss of protein function (PMID: 16199547), and loss-of-function variants in FRAS1 are known to be pathogenic (PMID: 12766769, 18671281). This variant is present in population databases (rs574631014, gnomAD 0.04%). This variant has not been reported in the literature in individuals affected with FRAS1-related conditions. ClinVar contains an entry for this variant (Variation ID: 265541). Algorithms developed to predict the effect of sequence changes on RNA splicing suggest that this variant may disrupt the consensus splice site. In summary, the currently available evidence indicates that the variant is pathogenic, but additional data are needed to prove that conclusively. Therefore, this variant has been classified as Likely Pathogenic.

GeneDx
Classification: Uncertain significance. Last evaluated: 2025-02-04. Review status: criteria provided, single submitter. Criteria: GeneDx Variant Classification Process June 2021. Collection method: clinical testing. Allele origin: germline. Affected: yes.
Comment: Canonical splice site variant predicted to result in an in-frame loss of the adjacent exon in a gene for which loss of function is a known mechanism of disease; Has not been previously published as pathogenic or benign to our knowledge; This variant is associated with the following publications: (PMID: 31589614)

Fulgent Genetics
Classification: Likely pathogenic for Fraser syndrome 1. Last evaluated: 2024-01-09. Review status: criteria provided, single submitter. Criteria: ACMG Guidelines, 2015. Collection method: clinical testing. Allele origin: germline.

Blueprint Genetics
Classification: Likely pathogenic for FRAS1-related disorders. Last evaluated: 2021-10-14. Review status: criteria provided, single submitter. Criteria: ACMG Guidelines, 2015. Collection method: clinical testing. Allele origin: germline. Affected: yes. Observed: 3 variant alleles.

Literature cited by the submitters: PubMed 16199547 (cited by Labcorp Genetics (formerly Invitae), Labcorp); PubMed 12766769 (cited by Labcorp Genetics (formerly Invitae), Labcorp); PubMed 18671281 (cited by Labcorp Genetics (formerly Invitae), Labcorp).